The following is an entry in ClinVar:

NM_007294.4(BRCA1):c.3889T>A (p.Ser1297Thr)

Genes: BRCA1 (BRCA1 DNA repair associated; minus strand), LOC126862571 (BRD4-independent group 4 enhancer GRCh37_chr17:41243136-41244335; plus strand). Cytogenetic location: 17q21.31.
Variant type: single nucleotide variant.
Coding change: c.3889T>A on transcript NM_007294.4 (MANE Select); coding-DNA position 3889, T replaced by A.
Protein change: p.Ser1297Thr; replaces serine 1297 with threonine.
Molecular consequence: missense variant. On other transcripts: intron variant (135).
Genome position (GRCh38, 1-based): chr17:43,091,642, A>T on the plus strand (T>A on the coding strand, the complement: BRCA1 is on the minus strand). VCF-style: chr17-43091642-A-T. GRCh37 (hg19) VCF-style: chr17-41243659-A-T.
Other names: c.665-610T>A (NM_001408440.1, NM_001408428.1, NM_001408441.1 and 12 more transcripts); c.671-610T>A (NM_001408418.1, NM_001408423.1, NM_001408420.1 and 2 more transcripts); c.788-610T>A (NM_001407981.1, NM_007298.4, NM_001407978.1 and 17 more transcripts); c.644-610T>A (NM_001408462.1, NM_001408470.1, NM_001408464.1 and 3 more transcripts); c.710-610T>A (NM_001408414.1, NM_001408411.1, NM_001408415.1 and 2 more transcripts); c.578-610T>A (NM_001408514.1, NM_001408485.1, NM_001408483.1 and 9 more transcripts); c.662-610T>A (NM_001408447.1, NM_001408433.1, NM_001408446.1 and 6 more transcripts); c.785-610T>A (NM_001408400.1, NM_001408392.1, NM_001407986.1 and 13 more transcripts); and 41 more; short protein forms S1297T, S1250T, S1001T, S1169T, S1229T, S1230T, S1296T, S1185T.
Identifiers: ClinVar variation 481466 (VCV000481466.25), dbSNP rs1450793674, ClinGen allele CA10594184.

ClinVar aggregate classification (germline): Conflicting classifications of pathogenicity. Review status: criteria provided, conflicting classifications (1 of 4 stars). 8 submissions from 8 submitters: Uncertain significance (7); Likely benign (1). Last evaluated 2026-05-19.

Conditions:
Hereditary cancer-predisposing syndrome. Also called: Tumor predisposition; Hereditary Cancer Syndrome; Hereditary neoplastic syndrome; Neoplastic Syndromes, Hereditary. Identifiers: Orphanet 140162, MedGen C0027672, MeSH D009386, MONDO:0015356.
Hereditary breast ovarian cancer syndrome. Also called: Breast and ovarian cancer; Hereditary breast and/or ovarian cancer syndrome; BRCA1- and BRCA2-Associated Hereditary Breast and Ovarian Cancer; Hereditary breast and ovarian cancer syndrome; Hereditary breast and ovarian cancer syndrome (HBOC); Hereditary breast and ovarian cancer. Identifiers: Orphanet 145, MedGen C0677776, MeSH D061325, MONDO:0003582. Disease mechanism: loss of function.
Breast-ovarian cancer, familial, susceptibility to, 1 (BROVCA1). Also called: BRCA1 Hereditary Breast and Ovarian Cancer; OVARIAN CANCER, SUSCEPTIBILITY TO. Identifiers: Orphanet 145, MedGen C2676676, MONDO:0011450, OMIM 604370. Disease mechanism: loss of function.

Allele frequency attached by ClinVar (database versions not stated): gnomAD exomes below 0.00001; gnomAD 0.00001; TOPMed 0.00001.
gnomAD v4.1: 3 of 1,614,110 alleles (0.00019%); highest among the groups gnomAD compares: Admixed American, 0.005%; no homozygotes.

Submissions (8):

Ambry Genetics
Classification: Uncertain significance for Hereditary cancer-predisposing syndrome. Last evaluated: 2026-05-19. Review status: criteria provided, single submitter. Criteria: Ambry Variant Classification Scheme 2023. Collection method: clinical testing. Allele origin: germline.

Labcorp Genetics (formerly Invitae), Labcorp
Classification: Uncertain significance for Hereditary breast ovarian cancer syndrome. Last evaluated: 2025-12-15. Review status: criteria provided, single submitter. Criteria: Invitae Variant Classification Sherloc (09022015). Collection method: clinical testing. Allele origin: germline.
Comment: This sequence change replaces serine, which is neutral and polar, with threonine, which is neutral and polar, at codon 1297 of the BRCA1 protein (p.Ser1297Thr). This variant is present in population databases (no rsID available, gnomAD 0.003%). This variant has not been reported in the literature in individuals affected with BRCA1-related conditions. ClinVar contains an entry for this variant (Variation ID: 481466). Invitae Evidence Modeling of protein sequence and biophysical properties (such as structural, functional, and spatial information, amino acid conservation, physicochemical variation, residue mobility, and thermodynamic stability) indicates that this missense variant is expected to disrupt BRCA1 protein function with a positive predictive value of 80%. In summary, the available evidence is currently insufficient to determine the role of this variant in disease. Therefore, it has been classified as a Variant of Uncertain Significance.

GeneDx
Classification: Uncertain significance. Last evaluated: 2023-10-25. Review status: criteria provided, single submitter. Criteria: GeneDx Variant Classification Process June 2021. Collection method: clinical testing. Allele origin: germline. Affected: yes.
Comment: Not observed at significant frequency in large population cohorts (gnomAD); In silico analysis supports that this missense variant does not alter protein structure/function; Has not been previously published as pathogenic or benign to our knowledge; Also known as 4008T>A; This variant is associated with the following publications: (PMID: 32377563, 29884841, 15343273, 22737296)

All of Us Research Program, National Institutes of Health
Classification: Uncertain significance for Breast-ovarian cancer, familial, susceptibility to, 1. Last evaluated: 2023-07-19. Review status: criteria provided, single submitter. Criteria: ACMG Guidelines, 2015. Collection method: clinical testing. Allele origin: germline. Inheritance: Autosomal dominant inheritance. Observed: 1 variant allele, 1 heterozygote.
Comment: This missense variant replaces serine with threonine at codon 1297 of the BRCA1 protein. Computational prediction is inconclusive regarding the impact of this variant on protein structure and function (internally defined REVEL score threshold 0.5 < inconclusive < 0.7, PMID: 27666373). To our knowledge, functional studies have not been reported for this variant. This variant has not been reported in individuals affected with BRCA1-related disorders in the literature. This variant has been identified in 1/251170 chromosomes in the general population by the Genome Aggregation Database (gnomAD). The available evidence is insufficient to determine the role of this variant in disease conclusively. Therefore, this variant is classified as a Variant of Uncertain Significance.

This study involves interpretation of variants in research participants for the purpose of population health screening. Participant phenotype was not available at the time of variant classification. Additional details can be found in publication PMID: 35346344, PMCID: PMC8962531

Color Diagnostics, LLC DBA Color Health
Classification: Uncertain significance for Hereditary cancer-predisposing syndrome. Last evaluated: 2023-07-07. Review status: criteria provided, single submitter. Criteria: ACMG Guidelines, 2015. Collection method: clinical testing. Allele origin: germline.
Comment: This missense variant replaces serine with threonine at codon 1297 of the BRCA1 protein. Computational prediction is inconclusive regarding the impact of this variant on protein structure and function (internally defined REVEL score threshold 0.5 < inconclusive < 0.7, PMID: 27666373). To our knowledge, functional studies have not been reported for this variant. This variant has not been reported in individuals affected with BRCA1-related disorders in the literature. This variant has been identified in 1/251170 chromosomes in the general population by the Genome Aggregation Database (gnomAD). The available evidence is insufficient to determine the role of this variant in disease conclusively. Therefore, this variant is classified as a Variant of Uncertain Significance.

University of Washington Department of Laboratory Medicine, University of Washington
Classification: Likely benign for Hereditary cancer-predisposing syndrome. Last evaluated: 2023-03-23. Review status: criteria provided, single submitter. Criteria: Dines et al. (Genet Med. 2020). Collection method: curation. Allele origin: germline.
Comment: Missense variant in a coldspot region where missense variants are very unlikely to be pathogenic (PMID:31911673).

BRCA1 coldspot (exon 11 using historical exon numbering). Reclassification based on statistical prior probability

Quest Diagnostics Nichols Institute San Juan Capistrano
Classification: Uncertain significance. Last evaluated: 2022-11-01. Review status: criteria provided, single submitter. Criteria: Quest Diagnostics criteria. Collection method: clinical testing. Allele origin: unknown.
Comment: The variant has not been reported in the published literature. The frequency of this variant in the general population, 0.000004 (1/251170 chromosomes), is uninformative in assessment of its pathogenicity. Analysis of this variant using bioinformatics tools for the prediction of the effect of amino acid changes on protein structure and function yielded conflicting predictions that this variant is benign or damaging. Based on the available information, we are unable to determine the clinical significance of this variant.

Women's Health and Genetics/Laboratory Corporation of America, LabCorp
Classification: Uncertain significance. Last evaluated: 2017-02-16. Review status: criteria provided, single submitter. Criteria: LabCorp Variant Classification Summary - May 2015. Collection method: clinical testing. Allele origin: germline.
Comment: Variant summary: The BRCA1 c.3889T>A (p.Ser1297Thr) variant involves the alteration of a conserved nucleotide. 2/4 in silico tools predict a benign outcome for this variant (SNPs&GO not captured due to low reliability index). This variant is absent in 121,388 control chromosomes. The variant of interest has not, to our knowledge, been reported in affected individuals via publications and/or reputable databases/clinical diagnostic laboratories; nor evaluated for functional impact by in vivo/vitro studies. Because of the absence of clinical information and the lack of functional studies, the variant is classified as a variant of uncertain significance (VUS) until additional information becomes available.